The following is an entry in ClinVar:

ClinVar aggregate classification (germline): Benign/Likely benign. Review status: criteria provided, multiple submitters, no conflicts (2 of 4 stars). 3 submissions from 3 submitters: Benign (1); Likely benign (2). Last evaluated 2025-07-01.

Conditions:
Hereditary cancer-predisposing syndrome. Also called: Hereditary Cancer Syndrome; Hereditary neoplastic syndrome; Neoplastic Syndromes, Hereditary; Tumor predisposition. Identifiers: Orphanet 140162, MedGen C0027672, MeSH D009386, MONDO:0015356.
Renal cell carcinoma. Identifiers: Orphanet 217071, MedGen C0007134, MeSH D002292, MONDO:0005086, HP:0005584.
Papillary renal cell carcinoma type 1 (RCCP1). Also called: Renal adenocarcinoma; Renal cell carcinoma 1; Renal cell carcinoma, somatic; RENAL CELL CARCINOMA, PAPILLARY, 1, SOMATIC. Identifiers: Orphanet 47044, MedGen C1336839, OMIM 605074, HP:0011797.

Submissions (3):

Labcorp Genetics (formerly Invitae), Labcorp
Classification: Likely benign for Renal cell carcinoma. Last evaluated: 2025-07-01. Review status: criteria provided, single submitter. Criteria: Invitae Variant Classification Sherloc (09022015). Collection method: clinical testing. Allele origin: germline.

Myriad Genetics, Inc.
Classification: Benign for Papillary renal cell carcinoma type 1. Last evaluated: 2024-11-07. Review status: criteria provided, single submitter. Criteria: Myriad Autosomal Dominant, Autosomal Recessive and X-Linked Classification Criteria (2023). Collection method: clinical testing. Allele origin: unknown.
Comment: This variant is considered benign. This variant is a silent/synonymous amino acid change and it is not expected to impact splicing.

Ambry Genetics
Classification: Likely benign for Hereditary cancer-predisposing syndrome. Last evaluated: 2020-11-14. Review status: criteria provided, single submitter. Criteria: Ambry Variant Classification Scheme 2023. Collection method: clinical testing. Allele origin: germline.

NM_000245.4(MET):c.1425T>A (p.Pro475=)

Gene: MET (MET proto-oncogene, receptor tyrosine kinase; plus strand). Cytogenetic location: 7q31.2.
Variant type: single nucleotide variant.
Coding change: c.1425T>A on transcript NM_000245.4 (MANE Select); coding-DNA position 1425, T replaced by A.
Protein change: p.Pro475=; no amino-acid change (proline 475 retained).
Molecular consequence: synonymous variant.
Genome position (GRCh38, 1-based): chr7:116,739,982, T>A. VCF-style: chr7-116739982-T-A. GRCh37 (hg19) VCF-style: chr7-116380036-T-A.
Other names: c.1425T>A, p.Pro475= (NM_001127500.3, NM_001324401.3); c.135T>A, p.Pro45= (NM_001324402.2).
Identifiers: ClinVar variation 1772369 (VCV001772369.4), dbSNP rs2116826219, ClinGen allele CA457215320.